The following is an entry in ClinVar:

NM_003108.4(SOX11):c.176G>A (p.Trp59Ter)

Gene: SOX11 (SRY-box transcription factor 11; plus strand). Cytogenetic location: 2p25.2.
Variant type: single nucleotide variant.
Coding change: c.176G>A on transcript NM_003108.4 (MANE Select); coding-DNA position 176, G replaced by A.
Protein change: p.Trp59Ter; replaces tryptophan 59 with a stop codon.
Molecular consequence: nonsense.
Genome position (GRCh38, 1-based): chr2:5,692,897, G>A. VCF-style: chr2-5692897-G-A. GRCh37 (hg19) VCF-style: chr2-5833029-G-A.
Other names: short protein forms W59*.
Identifiers: ClinVar variation 2443014 (VCV002443014.1), dbSNP rs2465087408, ClinGen allele CA345866110.

ClinVar aggregate classification (germline): Pathogenic (1 of 4 stars; one submission).

Conditions:
Intellectual developmental disorder with microcephaly and with or without ocular malformations or hypogonadotropic hypogonadism. Also called: Intellectual disability, autosomal dominant 27; Coffin-Siris Syndrome 9. Identifiers: Orphanet 1465, MedGen C4014528, MONDO:0014376, OMIM 615866.

Submission:

SIB Swiss Institute of Bioinformatics
Classification: Pathogenic for Intellectual developmental disorder with microcephaly and with or without ocular malformations or hypogonadotropic hypogonadism. Last evaluated: 2023-03-09. Review status: criteria provided, single submitter. Criteria: ACMG Guidelines, 2015. Collection method: curation. Allele origin: unknown.
Comment: This variant is interpreted as pathogenic for Intellectual developmental disorder with microcephaly and with or without ocular malformations or hypogonadotropic hypogonadism, autosomal dominant. The following ACMG Tag(s) were applied: Absent from controls (or at extremely low frequency if recessive) in Exome Sequencing Project, 1000 Genomes Project, or Exome Aggregation Consortium (PM2); De novo paternity and maternity not confirmed (PM6); Protein length changes as a result of in-frame deletions/insertions in a nonrepeat region or stop-loss variants (PM4 upgraded to very strong).

Literature cited by the submitters: PubMed 35341651.